The following is an entry in ClinVar:

ClinVar aggregate classification (germline): Likely benign (1 of 4 stars; one submission).

gnomAD v4.1: 10 of 918,523 alleles (0.0011%); highest among the groups gnomAD compares: Non-Finnish European, 0.0014%; no homozygotes.

Submission:

CeGaT Center for Human Genetics Tuebingen
Classification: Likely benign. Last evaluated: 2025-03-01. Review status: criteria provided, single submitter. Criteria: CeGaT Center For Human Genetics Tuebingen Variant Classification Criteria Version 2. Collection method: clinical testing. Allele origin: germline. Affected: yes. Observed: 1 variant allele.
Comment: SUPT20HL1: BS2

NM_001136234.3(SUPT20HL1):c.1514C>T (p.Ala505Val)

Gene: SUPT20HL1 (SUPT20H like 1; plus strand). Cytogenetic location: Xp22.11.
Variant type: single nucleotide variant.
Coding change: c.1514C>T on transcript NM_001136234.3 (MANE Select); coding-DNA position 1514, C replaced by T.
Protein change: p.Ala505Val; replaces alanine 505 with valine.
Molecular consequence: missense variant.
Genome position (GRCh38, 1-based): chrX:24,364,274, C>T. VCF-style: chrX-24364274-C-T. GRCh37 (hg19) VCF-style: chrX-24382391-C-T.
Other names: short protein forms A505V.
Identifiers: ClinVar variation 3777860 (VCV003777860.7).